The following is an entry in ClinVar:

ClinVar aggregate classification (germline): Uncertain significance. Review status: criteria provided, multiple submitters, no conflicts (2 of 4 stars). 3 submissions from 3 submitters: Uncertain significance (3). Last evaluated 2025-11-25.

Conditions:
Catecholaminergic polymorphic ventricular tachycardia 1. Also called: VENTRICULAR TACHYCARDIA, CATECHOLAMINERGIC POLYMORPHIC, 1, WITH OR WITHOUT ATRIAL DYSFUNCTION AND/OR DILATED CARDIOMYOPATHY; VENTRICULAR TACHYCARDIA, STRESS-INDUCED POLYMORPHIC 1; RYR2-Related Catecholaminergic Polymorphic Ventricular Tachycardia. Identifiers: Orphanet 3286, MedGen C1631597, MONDO:0011484, OMIM 604772.
Cardiovascular phenotype. Identifiers: MedGen CN230736.
Cardiomyopathy (CMYO). Also called: Cardiomyopathies. Identifiers: Orphanet 167848, MedGen C0878544, MONDO:0004994, HP:0001638. Inheritance: Various modes of inheritance.

Allele frequency attached by ClinVar (database versions not stated): TOPMed below 0.00001; gnomAD 0.00001.

Submissions (3):

Ambry Genetics
Classification: Uncertain significance for Cardiovascular phenotype. Last evaluated: 2025-11-25. Review status: criteria provided, single submitter. Criteria: Ambry Variant Classification Scheme 2023. Collection method: clinical testing. Allele origin: germline.
Comment: The p.L2129P variant (also known as c.6386T>C), located in coding exon 41 of the RYR2 gene, results from a T to C substitution at nucleotide position 6386. The leucine at codon 2129 is replaced by proline, an amino acid with similar properties. This amino acid position is highly conserved in available vertebrate species. In addition, this alteration is predicted to be deleterious by BayesDel in silico analysis. Since supporting evidence is limited at this time, the clinical significance of this alteration remains unclear.

Color Diagnostics, LLC DBA Color Health
Classification: Uncertain significance for Cardiomyopathy. Last evaluated: 2025-06-29. Review status: criteria provided, single submitter. Criteria: ACMG Guidelines, 2015. Collection method: clinical testing. Allele origin: germline.
Comment: This missense variant replaces leucine with proline at codon 2129 of the RYR2 protein. Computational prediction suggests that this variant may have deleterious impact on protein structure and function. To our knowledge, functional studies have not been reported for this variant. This variant has not been reported in individuals affected with RYR2-related disorders in the literature. This variant has not been identified in the general population by the Genome Aggregation Database (gnomAD). The available evidence is insufficient to determine the role of this variant in disease conclusively. Therefore, this variant is classified as a Variant of Uncertain Significance.

Labcorp Genetics (formerly Invitae), Labcorp
Classification: Uncertain significance for Catecholaminergic polymorphic ventricular tachycardia 1. Last evaluated: 2024-10-16. Review status: criteria provided, single submitter. Criteria: Invitae Variant Classification Sherloc (09022015). Collection method: clinical testing. Allele origin: germline.
Comment: This sequence change replaces leucine, which is neutral and non-polar, with proline, which is neutral and non-polar, at codon 2129 of the RYR2 protein (p.Leu2129Pro). This variant is not present in population databases (gnomAD no frequency). This variant has not been reported in the literature in individuals affected with RYR2-related conditions. ClinVar contains an entry for this variant (Variation ID: 1753196). Invitae Evidence Modeling of protein sequence and biophysical properties (such as structural, functional, and spatial information, amino acid conservation, physicochemical variation, residue mobility, and thermodynamic stability) indicates that this missense variant is expected to disrupt RYR2 protein function with a positive predictive value of 95%. In summary, the available evidence is currently insufficient to determine the role of this variant in disease. Therefore, it has been classified as a Variant of Uncertain Significance.

NM_001035.3(RYR2):c.6386T>C (p.Leu2129Pro)

Gene: RYR2 (ryanodine receptor 2; plus strand). Cytogenetic location: 1q43.
Variant type: single nucleotide variant.
Coding change: c.6386T>C on transcript NM_001035.3 (MANE Select); coding-DNA position 6386, T replaced by C.
Protein change: p.Leu2129Pro; replaces leucine 2129 with proline.
Molecular consequence: missense variant.
Genome position (GRCh38, 1-based): chr1:237,628,026, T>C. VCF-style: chr1-237628026-T-C. GRCh37 (hg19) VCF-style: chr1-237791326-T-C.
Other names: short protein forms L2129P.
Identifiers: ClinVar variation 1753196 (VCV001753196.6), dbSNP rs1260384416, ClinGen allele CA345411431.